The following is an entry in ClinVar:

NM_004036.5(ADCY3):c.3004-3C>T

Genes: ADCY3 (adenylate cyclase 3; minus strand), CENPO (centromere protein O; plus strand). Cytogenetic location: 2p23.3.
Variant type: single nucleotide variant.
Coding change: c.3004-3C>T on transcript NM_004036.5 (MANE Select); 3 bases into the intron before coding-DNA position 3004, C replaced by T.
Molecular consequence: intron variant. On other transcripts: 3 prime UTR variant (3), non-coding transcript variant (3).
Genome position (GRCh38, 1-based): chr2:24,821,643, G>A on the plus strand (C>T on the coding strand, the complement: ADCY3 is on the minus strand). VCF-style: chr2-24821643-G-A. GRCh37 (hg19) VCF-style: chr2-25044512-G-A.
Other names: c.*2325G>A (NM_001199803.3, NM_001322101.2, NM_024322.4); c.2452-3C>T (NM_001377130.1); c.2866-3C>T (NM_001377129.1); c.3007-3C>T (NM_001320613.2); c.3070-3C>T (NM_001377128.1); c.3004-3C>T (NM_001377132.1); c.2281-3C>T (NM_001377131.1).
Identifiers: ClinVar variation 3350604 (VCV003350604.1).

ClinVar aggregate classification (germline): Likely benign (0 of 4 stars; one submission).

Conditions:
ADCY3-related disorder. Also called: ADCY3-related condition.

gnomAD v4.1: 4 of 1,613,760 alleles (0.00025%); highest among the groups gnomAD compares: African/African-American, 0.0053%; no homozygotes.

Submission:

PreventionGenetics, part of Exact Sciences
Classification: Likely benign for ADCY3-related condition. Last evaluated: 2021-10-05. Review status: no assertion criteria provided. Collection method: clinical testing. Allele origin: germline.
Comment: This variant is classified as likely benign based on ACMG/AMP sequence variant interpretation guidelines (Richards et al. 2015 PMID: 25741868, with internal and published modifications).